The following is an entry in ClinVar:

ClinVar aggregate classification (germline): Uncertain significance (1 of 4 stars; one submission).

Conditions:
Polyhydramnios, megalencephaly, and symptomatic epilepsy (PMSE). Also called: PMSE SYNDROME. Identifiers: Orphanet 500533, MedGen C1970203, MONDO:0012611, OMIM 611087.

Allele frequency attached by ClinVar (database versions not stated): gnomAD exomes below 0.00001.
gnomAD v4.1: 2 of 1,614,174 alleles (0.00012%); highest among the groups gnomAD compares: Non-Finnish European, 0.00017%; no homozygotes.

Submission:

Labcorp Genetics (formerly Invitae), Labcorp
Classification: Uncertain significance for Polyhydramnios, megalencephaly, and symptomatic epilepsy. Last evaluated: 2022-05-27. Review status: criteria provided, single submitter. Criteria: Invitae Variant Classification Sherloc (09022015). Collection method: clinical testing. Allele origin: germline.
Comment: This sequence change replaces valine, which is neutral and non-polar, with methionine, which is neutral and non-polar, at codon 85 of the STRADA protein (p.Val85Met). This variant is not present in population databases (gnomAD no frequency). This variant has not been reported in the literature in individuals affected with STRADA-related conditions. Algorithms developed to predict the effect of missense changes on protein structure and function are either unavailable or do not agree on the potential impact of this missense change (SIFT: "Tolerated"; PolyPhen-2: "Probably Damaging"; Align-GVGD: "Class C0"). In summary, the available evidence is currently insufficient to determine the role of this variant in disease. Therefore, it has been classified as a Variant of Uncertain Significance.

NM_001003787.4(STRADA):c.253G>A (p.Val85Met)

Gene: STRADA (STE20 related adaptor alpha; minus strand). Cytogenetic location: 17q23.3.
Variant type: single nucleotide variant.
Coding change: c.253G>A on transcript NM_001003787.4 (MANE Select); coding-DNA position 253, G replaced by A.
Protein change: p.Val85Met; replaces valine 85 with methionine.
Molecular consequence: missense variant. On other transcripts: non-coding transcript variant (1).
Genome position (GRCh38, 1-based): chr17:63,713,501, C>T on the plus strand (G>A on the coding strand, the complement: STRADA is on the minus strand). VCF-style: chr17-63713501-C-T. GRCh37 (hg19) VCF-style: chr17-61790861-C-T.
Other names: c.142G>A, p.Val48Met (NM_001003786.3, NM_001363789.1, NM_153335.6); c.79G>A, p.Val27Met (NM_001003788.3, NM_001363790.1, NM_001363791.1); c.166G>A, p.Val56Met (NM_001165969.2, NM_001363787.1, NM_001411084.1); c.121G>A, p.Val41Met (NM_001165970.2); c.229G>A, p.Val77Met (NM_001363786.1); c.253G>A, p.Val85Met (NM_001363788.1, NM_001411083.1, NM_001411085.1); short protein forms V41M, V27M, V77M, V48M, V56M, V85M.
Identifiers: ClinVar variation 1999341 (VCV001999341.4), dbSNP rs2511127399, ClinGen allele CA400593837.